The following is an entry in ClinVar:

NM_000036.3(AMPD1):c.844G>A (p.Glu282Lys)

Gene: AMPD1 (adenosine monophosphate deaminase 1; minus strand). Cytogenetic location: 1p13.2.
Variant type: single nucleotide variant.
Coding change: c.844G>A on transcript NM_000036.3 (MANE Select); coding-DNA position 844, G replaced by A.
Protein change: p.Glu282Lys; replaces glutamic acid 282 with lysine.
Molecular consequence: missense variant.
Genome position (GRCh38, 1-based): chr1:114,679,632, C>T on the plus strand (G>A on the coding strand, the complement: AMPD1 is on the minus strand). VCF-style: chr1-114679632-C-T. GRCh37 (hg19) VCF-style: chr1-115222253-C-T.
Other names: c.832G>A, p.Glu278Lys (NM_001172626.2); short protein forms E282K, E278K.
Identifiers: ClinVar variation 1394503 (VCV001394503.5), dbSNP rs748720444, ClinGen allele CA1020292.
Genomic context (GRCh38, chr1:114,679,632, plus strand): 5'-TGTTTACCTTCCTGCAGTTATAAAAATCTCGGTGGGGGTTGTTTTTCAGCTCCTTTAACT[C>T]GTCCATCTCGTTAAGCATCTGATGGACCTGGAACTTGGAGGAGAGGAACTTCAGGCGCCG-3'
Protein context (NP_000027.3, residues 272-292): QVHQMLNEMD[Glu282Lys]LKELKNNPHR

ClinVar aggregate classification (germline): Uncertain significance (1 of 4 stars; one submission).

Conditions:
Muscle AMP deaminase deficiency (MMDD). Also called: Myoadenylate deaminase deficiency, myopathy due to; Adenosine monophosphate deaminase 1 deficiency; AMP deaminase 1 deficiency; Adenosine Monophosphate Deaminase 1; AMPD1 DEFICIENCY; ADENOSINE MONOPHOSPHATE DEAMINASE-1 DEFICIENCY, MYOPATHY DUE TO. Identifiers: Orphanet 45, MedGen C3714933, MONDO:0014220, OMIM 615511.

Allele frequency attached by ClinVar (database versions not stated): ExAC 0.00001; gnomAD exomes 0.00002; TOPMed 0.00003.
gnomAD v4.1: 29 of 1,613,956 alleles (0.0018%); highest among the groups gnomAD compares: South Asian, 0.0033%; no homozygotes.

Submission:

Labcorp Genetics (formerly Invitae), Labcorp
Classification: Uncertain significance for Muscle AMP deaminase deficiency. Last evaluated: 2021-09-01. Review status: criteria provided, single submitter. Criteria: Invitae Variant Classification Sherloc (09022015). Collection method: clinical testing. Allele origin: germline.
Comment: This sequence change replaces glutamic acid with lysine at codon 315 of the AMPD1 protein (p.Glu315Lys). The glutamic acid residue is highly conserved and there is a small physicochemical difference between glutamic acid and lysine. This variant is present in population databases (rs748720444, ExAC 0.001%). This variant has not been reported in the literature in individuals affected with AMPD1-related conditions. Algorithms developed to predict the effect of missense changes on protein structure and function (SIFT, PolyPhen-2, Align-GVGD) all suggest that this variant is likely to be disruptive. In summary, the available evidence is currently insufficient to determine the role of this variant in disease. Therefore, it has been classified as a Variant of Uncertain Significance.